The following is an entry in ClinVar:

ClinVar aggregate classification (germline): Likely benign (1 of 4 stars; one submission).

Conditions:
NR1H4-related disorder. Also called: NR1H4-related condition.

gnomAD v4.1: 5 of 1,379,376 alleles (0.00036%); highest among the groups gnomAD compares: Admixed American, 0.0037%; no homozygotes.

Submission:

PreventionGenetics, part of Exact Sciences
Classification: Likely benign for NR1H4-related condition. Last evaluated: 2026-03-02. Review status: criteria provided, single submitter. Criteria: ACMG Guidelines, 2015. Collection method: clinical testing. Allele origin: germline.
Comment: This variant is classified as likely benign based on ACMG/AMP sequence variant interpretation guidelines (Richards et al. 2015 PMID: 25741868, with internal and published modifications).

NM_001206979.2(NR1H4):c.79+8G>A

Gene: NR1H4 (nuclear receptor subfamily 1 group H member 4; plus strand). Cytogenetic location: 12q23.1.
Variant type: single nucleotide variant.
Coding change: c.79+8G>A on transcript NM_001206979.2 (MANE Select); 8 bases into the intron after coding-DNA position 79, G replaced by A.
Molecular consequence: intron variant.
Genome position (GRCh38, 1-based): chr12:100,493,410, G>A. VCF-style: chr12-100493410-G-A. GRCh37 (hg19) VCF-style: chr12-100887188-G-A.
Other names: c.79+8G>A (NM_001206977.2, NM_005123.4, NM_001206978.2).
Identifiers: ClinVar variation 4982525 (VCV004982525.1).
Genomic context (GRCh38, chr12:100,493,410, plus strand): 5'-ACATTCCCATTTACCTACCACAGATGAATTTTCTTTTTCTGAAAATTTATTTGGTAAGTT[G>A]TCAAGTTCATTTGAATATCAATAAGAACAAACTACGATTTGGAAATACATGAGGAAATGC-3'